The following is an entry in ClinVar:

ClinVar aggregate classification (germline): Likely benign (0 of 4 stars; one submission).

Conditions:
CTBP2-related disorder. Also called: CTBP2-related condition.

Allele frequency attached by ClinVar (database versions not stated): 1000 Genomes Project 30x 0.00016; 1000 Genomes Project 0.00020; ESP Exome Variant Server 0.00085; gnomAD 0.00097; TOPMed 0.00121.
gnomAD v4.1: 279 of 1,614,146 alleles (0.017%); highest among the groups gnomAD compares: African/African-American, 0.31%; no homozygotes.

Submission:

PreventionGenetics, part of Exact Sciences
Classification: Likely benign for CTBP2-related condition. Last evaluated: 2019-04-30. Review status: no assertion criteria provided. Collection method: clinical testing. Allele origin: germline.
Comment: This variant is classified as likely benign based on ACMG/AMP sequence variant interpretation guidelines (Richards et al. 2015 PMID: 25741868, with internal and published modifications).

NM_001329.4(CTBP2):c.58+11546C>T

Gene: CTBP2 (C-terminal binding protein 2; minus strand). Cytogenetic location: 10q26.13.
Variant type: single nucleotide variant.
Coding change: c.58+11546C>T on transcript NM_001329.4 (MANE Select); 11546 bases into the intron after coding-DNA position 58, C replaced by T.
Molecular consequence: intron variant. On other transcripts: synonymous variant (1).
Genome position (GRCh38, 1-based): chr10:125,027,451, G>A on the plus strand (C>T on the coding strand, the complement: CTBP2 is on the minus strand). VCF-style: chr10-125027451-G-A. GRCh37 (hg19) VCF-style: chr10-126716020-G-A.
Other names: c.309C>T, p.Ser103= (NM_022802.3); c.58+11546C>T (NM_001083914.3, NM_001290214.3, NM_001321012.2 and 3 more transcripts).
Identifiers: ClinVar variation 3055571 (VCV003055571.2), dbSNP rs148945836, ClinGen allele CA5736576.